The following is an entry in ClinVar:

ClinVar aggregate classification (germline): Uncertain significance (1 of 4 stars; one submission).

Submission:

GeneDx
Classification: Uncertain significance. Last evaluated: 2025-06-30. Review status: criteria provided, single submitter. Criteria: GeneDx Variant Classification Process June 2021. Collection method: clinical testing. Allele origin: germline. Affected: yes.
Comment: Not observed at significant frequency in large population cohorts (gnomAD); In silico analysis supports that this missense variant has a deleterious effect on protein structure/function; Has not been previously published as pathogenic or benign to our knowledge

NM_004415.4(DSP):c.6157G>A (p.Ala2053Thr)

Gene: DSP (desmoplakin; plus strand). Cytogenetic location: 6p24.3.
Variant type: single nucleotide variant.
Coding change: c.6157G>A on transcript NM_004415.4 (MANE Select); coding-DNA position 6157, G replaced by A.
Protein change: p.Ala2053Thr; replaces alanine 2053 with threonine.
Molecular consequence: missense variant.
Genome position (GRCh38, 1-based): chr6:7,583,419, G>A. VCF-style: chr6-7583419-G-A. GRCh37 (hg19) VCF-style: chr6-7583652-G-A.
Other names: c.4360G>A, p.Ala1454Thr (NM_001008844.3); c.4828G>A, p.Ala1610Thr (NM_001319034.2); short protein forms A1454T, A1610T, A2053T.
Identifiers: ClinVar variation 4680975 (VCV004680975.1).
Genomic context (GRCh38, chr6:7,583,419, plus strand): 5'-GAGGCCAAGAGAAAGAAATTAATCAGCCCAGAATCCACAGTCATGCTTCTGGAGGCCCAG[G>A]CAGCTACAGGTGGTATAATTGATCCCCATCGGAATGAGAAGCTGACTGTCGACAGTGCCA-3'
Protein context (NP_004406.2, residues 2043-2063): ESTVMLLEAQ[Ala2053Thr]ATGGIIDPHR